The following is an entry in ClinVar:

ClinVar aggregate classification (germline): Likely benign. Review status: criteria provided, single submitter (1 of 4 stars). 2 submissions from 2 submitters: Likely benign (1). 1 of the submissions does not count toward it. Last evaluated 2024-07-22.

Conditions:
HEMOGLOBIN HAMADAN.

Submissions (2):

ARUP Laboratories, Molecular Genetics and Genomics, ARUP Laboratories
Classification: Likely benign. Last evaluated: 2024-07-22. Review status: criteria provided, single submitter. Criteria: ARUP Molecular Germline Variant Investigation Process 2024. Collection method: clinical testing. Allele origin: germline.
Comment: The Hb Hamadan variant (HBB: c.169G>C; p.Gly57Arg, also known as Gly56Arg when numbered from the mature protein, rs33935983, HbVar ID: 343) has been reported as heterozygous and homozygous in multiple clinically healthy individuals (see HbVar and references therein, Akar 2003). In addition, this variant was observed in an individual with beta- thalassemia without altering clinical symptoms (Akar 2003). This variant has also been reported as stable with normal oxygen affinity. This variant is reported in ClinVar (Variation ID: 15188) and is absent from the Genome Aggregation Database, indicating it is not a common polymorphism. The glycine at codon 57 is moderately conserved, and computational analyses are uncertain whether this variant is neutral or deleterious (REVEL: 0.635). Based on available information, this variant is considered to be likely benign. References: Link to HbVar database: Akar E et al. First observation of homozygous hemoglobin hamadan (B 56 (D7) GLY-ARG) and beta thalassemia (-29 G>A)- hemoglobin Hamadan combination in a Turkish family. Am J Hematol. 2003 Dec;74(4):280-2. PMID: 14635211.

OMIM
Classification: other for HEMOGLOBIN HAMADAN. Last evaluated: 2017-12-12. Review status: no assertion criteria provided. Collection method: literature only. Allele origin: germline. Not counted in ClinVar's aggregate classification.

Literature cited by the submitters: PubMed 6841128 (cited by OMIM); PubMed 14635211 (cited by OMIM).

NM_000518.5(HBB):c.169G>C (p.Gly57Arg)

Genes: HBB (hemoglobin subunit beta; minus strand), LOC106099062 (HBB recombination region; plus strand), LOC107133510 (origin of replication at HBB; plus strand). Cytogenetic location: 11p15.4.
Variant type: single nucleotide variant.
Coding change: c.169G>C on transcript NM_000518.5 (MANE Select); coding-DNA position 169, G replaced by C.
Protein change: p.Gly57Arg; replaces glycine 57 with arginine.
Molecular consequence: missense variant.
Genome position (GRCh38, 1-based): chr11:5,226,723, C>G on the plus strand (G>C on the coding strand, the complement: HBB is on the minus strand). VCF-style: chr11-5226723-C-G. GRCh37 (hg19) VCF-style: chr11-5247953-C-G.
Other names: G56R; short protein forms G57R.
Identifiers: ClinVar variation 15188 (VCV000015188.4), dbSNP rs33935983, ClinGen allele CA124886.